The following is an entry in ClinVar:

ClinVar aggregate classification (germline): Likely pathogenic. Review status: criteria provided, multiple submitters, no conflicts (2 of 4 stars). 2 submissions from 2 submitters: Likely pathogenic (2). Last evaluated 2023-04-24.

Conditions:
Neuronal ceroid lipofuscinosis 1 (CLN1). Also called: PPT1-Related Neuronal Ceroid-Lipofuscinosis; CEROID LIPOFUSCINOSIS, NEURONAL, 1, VARIABLE AGE AT ONSET. Identifiers: Orphanet 228329, MedGen C1850451, MONDO:0009744, OMIM 256730.

Submissions (2):

Baylor Genetics
Classification: Likely pathogenic for Neuronal ceroid lipofuscinosis 1. Last evaluated: 2023-04-24. Review status: criteria provided, single submitter. Criteria: ACMG Guidelines, 2015. Collection method: clinical testing. Allele origin: unknown.

Labcorp Genetics (formerly Invitae), Labcorp
Classification: Likely pathogenic for Neuronal ceroid lipofuscinosis 1. Last evaluated: 2022-07-10. Review status: criteria provided, single submitter. Criteria: Invitae Variant Classification Sherloc (09022015). Collection method: clinical testing. Allele origin: germline.
Comment: Algorithms developed to predict the effect of sequence changes on RNA splicing suggest that this variant may disrupt the consensus splice site. Advanced modeling of protein sequence and biophysical properties (such as structural, functional, and spatial information, amino acid conservation, physicochemical variation, residue mobility, and thermodynamic stability) performed at Invitae indicates that this missense variant is expected to disrupt PPT1 protein function. This missense change has been observed in individual(s) with neuronal ceroid lipofuscinosis (PMID: 22387303). This variant is not present in population databases (gnomAD no frequency). This sequence change replaces glutamic acid, which is acidic and polar, with valine, which is neutral and non-polar, at codon 178 of the PPT1 protein (p.Glu178Val). In summary, the currently available evidence indicates that the variant is pathogenic, but additional data are needed to prove that conclusively. Therefore, this variant has been classified as Likely Pathogenic.

Literature cited by the submitters: PubMed 22387303 (cited by Labcorp Genetics (formerly Invitae), Labcorp).

NM_000310.4(PPT1):c.533A>T (p.Glu178Val)

Gene: PPT1 (palmitoyl-protein thioesterase 1; minus strand). Cytogenetic location: 1p34.2.
Variant type: single nucleotide variant.
Coding change: c.533A>T on transcript NM_000310.4 (MANE Select); coding-DNA position 533, A replaced by T.
Protein change: p.Glu178Val; replaces glutamic acid 178 with valine.
Molecular consequence: missense variant.
Genome position (GRCh38, 1-based): chr1:40,089,413, T>A on the plus strand (A>T on the coding strand, the complement: PPT1 is on the minus strand). VCF-style: chr1-40089413-T-A. GRCh37 (hg19) VCF-style: chr1-40555085-T-A.
Other names: c.224A>T, p.Glu75Val (NM_001142604.2); c.533A>T, p.Glu178Val (NM_001363695.2); short protein forms E178V, E75V.
Identifiers: ClinVar variation 2202734 (VCV002202734.5), dbSNP rs774831480, ClinGen allele CA339848482.